The following is an entry in ClinVar:

NM_000548.5(TSC2):c.3229_3258dup (p.Thr1077_Gly1086dup)

Gene: TSC2 (TSC complex subunit 2; plus strand). Cytogenetic location: 16p13.3.
Variant type: Duplication.
Coding change: c.3229_3258dup on transcript NM_000548.5 (MANE Select); coding-DNA positions 3229 to 3258, 30 bases duplicated (ACCCGGTCGTTACTAGGCCTGGACTCGGGG).
Protein change: p.Thr1077_Gly1086dup.
Molecular consequence: inframe insertion.
Genome position (GRCh38, 1-based): chr16:2,079,373-2,079,402, ACCCGGTCGTTACTAGGCCTGGACTCGGGG duplicated; duplicating any 30 consecutive bases within chr16:2,079,370-2,079,402 gives the same sequence; the c. name uses the placement nearest the transcript's 3' end. VCF-style (leftmost placement, unchanged base first): chr16-2079369-C-CGGGACCCGGTCGTTACTAGGCCTGGACTCG. GRCh37 (hg19) VCF-style: chr16-2129370-C-CGGGACCCGGTCGTTACTAGGCCTGGACTCG.
Other names: c.3097_3126dup, p.Thr1033_Gly1042dup (NM_001077183.3, NM_001370404.1); c.3229_3258dup, p.Thr1077_Gly1086dup (NM_001114382.3); c.2989_3018dup, p.Thr997_Gly1006dup (NM_001318827.2); c.2953_2982dup, p.Thr985_Gly994dup (NM_001318829.2); c.2497_2526dup, p.Thr833_Gly842dup (NM_001318831.2); c.3130_3159dup, p.Thr1044_Gly1053dup (NM_001318832.2); c.3100_3129dup, p.Thr1034_Gly1043dup (NM_001363528.2, NM_001370405.1, NM_021055.3).
Identifiers: ClinVar variation 1397591 (VCV001397591.9), dbSNP rs1567498463, ClinGen allele CA620704888.
Genomic context (GRCh38, chr16:2,079,369, plus strand): 5'-CAGGACCAAAACCTGGCTGGTTGGGAACAAGCTTGTCACTGTGACGACAAGCGTGGGAAC[C>CGGGACCCGGTCGTTACTAGGCCTGGACTCG]GGGACCCGGTCGTTACTAGGCCTGGACTCGGGGGAGCTGCAGTCCGGCCCGGAGTCGAGG-3'

ClinVar aggregate classification (germline): Uncertain significance. Review status: criteria provided, multiple submitters, no conflicts (2 of 4 stars). 2 submissions from 2 submitters: Uncertain significance (2). Last evaluated 2022-06-18.

Conditions:
Tuberous sclerosis 2 (TSC2). Identifiers: Orphanet 805, MedGen C1860707, MONDO:0013199, OMIM 613254.

Submissions (2):

GeneDx
Classification: Uncertain significance. Last evaluated: 2022-06-18. Review status: criteria provided, single submitter. Criteria: GeneDx Variant Classification Process June 2021. Collection method: clinical testing. Allele origin: germline. Affected: yes.
Comment: Not observed at significant frequency in large population cohorts (gnomAD); In-frame duplication of 10 amino acids in a non-repeat region; In silico analysis supports a deleterious effect on protein structure/function; Has not been previously published as pathogenic or benign to our knowledge

Labcorp Genetics (formerly Invitae), Labcorp
Classification: Uncertain significance for Tuberous sclerosis 2. Last evaluated: 2020-12-16. Review status: criteria provided, single submitter. Criteria: Invitae Variant Classification Sherloc (09022015). Collection method: clinical testing. Allele origin: germline.
Comment: In summary, the available evidence is currently insufficient to determine the role of this variant in disease. Therefore, it has been classified as a Variant of Uncertain Significance. Algorithms developed to predict the effect of sequence changes on RNA splicing suggest that this variant may create or strengthen a splice site, but this prediction has not been confirmed by published transcriptional studies. This variant has not been reported in the literature in individuals with TSC2-related conditions. This variant is not present in population databases (ExAC no frequency). This variant, c.3229_3258dup, results in the insertion of 10 amino acid(s) to the TSC2 protein (p.Thr1077_Gly1086dup), but otherwise preserves the integrity of the reading frame.